The following is an entry in ClinVar:

ClinVar aggregate classification (germline): Uncertain significance. Review status: criteria provided, multiple submitters, no conflicts (2 of 4 stars). 2 submissions from 2 submitters: Uncertain significance (2). Last evaluated 2024-11-25.

gnomAD v4.1: 35 of 1,614,082 alleles (0.0022%); highest among the groups gnomAD compares: African/African-American, 0.043%; no homozygotes.

Submissions (2):

Ambry Genetics
Classification: Uncertain significance. Last evaluated: 2024-11-25. Review status: criteria provided, single submitter. Criteria: Ambry Variant Classification Scheme 2023. Collection method: clinical testing. Allele origin: germline.

Labcorp Genetics (formerly Invitae), Labcorp
Classification: Uncertain significance. Last evaluated: 2024-05-15. Review status: criteria provided, single submitter. Criteria: Invitae Variant Classification Sherloc (09022015). Collection method: clinical testing. Allele origin: germline.
Comment: This sequence change replaces aspartic acid, which is acidic and polar, with glycine, which is neutral and non-polar, at codon 46 of the APOL1 protein (p.Asp46Gly). This variant is present in population databases (rs144963144, gnomAD 0.03%). This variant has not been reported in the literature in individuals affected with APOL1-related conditions. An algorithm developed to predict the effect of missense changes on protein structure and function (PolyPhen-2) suggests that this variant¬†is likely to be tolerated. In summary, the available evidence is currently insufficient to determine the role of this variant in disease. Therefore, it has been classified as a Variant of Uncertain Significance.

NM_003661.4(APOL1):c.137A>G (p.Asp46Gly)

Gene: APOL1 (apolipoprotein L1; plus strand). Cytogenetic location: 22q12.3.
Variant type: single nucleotide variant.
Coding change: c.137A>G on transcript NM_003661.4 (MANE Select); coding-DNA position 137, A replaced by G.
Protein change: p.Asp46Gly; replaces aspartic acid 46 with glycine.
Molecular consequence: missense variant.
Genome position (GRCh38, 1-based): chr22:36,257,357, A>G. VCF-style: chr22-36257357-A-G. GRCh37 (hg19) VCF-style: chr22-36653403-A-G.
Other names: c.137A>G, p.Asp46Gly (NM_001136540.2); c.83A>G, p.Asp28Gly (NM_001136541.2, NM_001362927.2); c.185A>G, p.Asp62Gly (NM_145343.3); short protein forms D28G, D62G, D46G.
Identifiers: ClinVar variation 3417989 (VCV003417989.2).